The following is an entry in ClinVar:

NM_007175.8(ERLIN2):c.237-3T>C

Gene: ERLIN2 (ER lipid raft associated 2; plus strand). Cytogenetic location: 8p11.23.
Variant type: single nucleotide variant.
Coding change: c.237-3T>C on transcript NM_007175.8 (MANE Select); 3 bases into the intron before coding-DNA position 237, T replaced by C.
Molecular consequence: intron variant.
Genome position (GRCh38, 1-based): chr8:37,744,352, T>C. VCF-style: chr8-37744352-T-C. GRCh37 (hg19) VCF-style: chr8-37601870-T-C.
Other names: c.237-3T>C (NM_001362878.2, NM_001362880.2, NM_001003790.4 and 1 more transcripts).
Identifiers: ClinVar variation 2771410 (VCV002771410.3), dbSNP rs765889273, ClinGen allele CA4710657.

ClinVar aggregate classification (germline): Uncertain significance (1 of 4 stars; one submission).

Conditions:
Spastic paraplegia. Identifiers: MedGen C0037772, HP:0001258.

Allele frequency attached by ClinVar (database versions not stated): gnomAD 0.00003; gnomAD exomes 0.00003; TOPMed below 0.00001; ExAC 0.00001.
gnomAD v4.1: 40 of 1,612,884 alleles (0.0025%); highest among the groups gnomAD compares: Non-Finnish European, 0.0032%; no homozygotes.

Submission:

Labcorp Genetics (formerly Invitae), Labcorp
Classification: Uncertain significance for Spastic paraplegia. Last evaluated: 2025-08-11. Review status: criteria provided, single submitter. Criteria: Invitae Variant Classification Sherloc (09022015). Collection method: clinical testing. Allele origin: germline.
Comment: This sequence change falls in intron 4 of the ERLIN2 gene. It does not directly change the encoded amino acid sequence of the ERLIN2 protein. It affects a nucleotide within the consensus splice site. This variant is present in population databases (rs765889273, gnomAD 0.006%). This variant has not been reported in the literature in individuals affected with ERLIN2-related conditions. ClinVar contains an entry for this variant (Variation ID: 2771410). Variants that disrupt the consensus splice site are a relatively common cause of aberrant splicing (PMID: 17576681, 9536098). Algorithms developed to predict the effect of sequence changes on RNA splicing suggest that this variant is not likely to affect RNA splicing. In summary, the available evidence is currently insufficient to determine the role of this variant in disease. Therefore, it has been classified as a Variant of Uncertain Significance.

Literature cited by the submitters: PubMed 17576681; PubMed 9536098.